The following is an entry in ClinVar:

ClinVar aggregate classification (germline): Uncertain significance (1 of 4 stars; one submission).

Conditions:
Charcot-Marie-Tooth Neuropathy X. Identifiers: MedGen CN118851.
Combined oxidative phosphorylation deficiency. Identifiers: MedGen C4540031, MONDO:0000732.

gnomAD v4.1: 1 of 1,210,998 alleles (0.000083%); highest among the groups gnomAD compares: Non-Finnish European, 0.00011%; no homozygotes.

Submission:

Labcorp Genetics (formerly Invitae), Labcorp
Classification: Uncertain significance for Charcot-Marie-Tooth Neuropathy X; Combined oxidative phosphorylation deficiency. Last evaluated: 2025-03-24. Review status: criteria provided, single submitter. Criteria: Invitae Variant Classification Sherloc (09022015). Collection method: clinical testing. Allele origin: germline.
Comment: This sequence change replaces proline, which is neutral and non-polar, with alanine, which is neutral and non-polar, at codon 106 of the AIFM1 protein (p.Pro106Ala). This variant is not present in population databases (gnomAD no frequency). This variant has not been reported in the literature in individuals affected with AIFM1-related conditions. Invitae Evidence Modeling of protein sequence and biophysical properties (such as structural, functional, and spatial information, amino acid conservation, physicochemical variation, residue mobility, and thermodynamic stability) indicates that this missense variant is not expected to disrupt AIFM1 protein function with a negative predictive value of 80%. In summary, the available evidence is currently insufficient to determine the role of this variant in disease. Therefore, it has been classified as a Variant of Uncertain Significance.

NM_004208.4(AIFM1):c.316C>G (p.Pro106Ala)

Genes: AIFM1 (apoptosis inducing factor mitochondria associated 1; minus strand), RAB33A (RAB33A, member RAS oncogene family; plus strand). Cytogenetic location: Xq26.1.
Variant type: single nucleotide variant.
Coding change: c.316C>G on transcript NM_004208.4 (MANE Select); coding-DNA position 316, C replaced by G.
Protein change: p.Pro106Ala; replaces proline 106 with alanine.
Molecular consequence: missense variant. On other transcripts: non-coding transcript variant (1).
Genome position (GRCh38, 1-based): chrX:130,149,502, G>C on the plus strand (C>G on the coding strand, the complement: AIFM1 is on the minus strand). VCF-style: chrX-130149502-G-C. GRCh37 (hg19) VCF-style: chrX-129283477-G-C.
Other names: c.316C>G, p.Pro106Ala (NM_001130847.4); c.304C>G, p.Pro102Ala (NM_145812.3); short protein forms P102A, P106A.
Identifiers: ClinVar variation 4790334 (VCV004790334.1).
Genomic context (GRCh38, chrX:130,149,502, plus strand): 5'-CATAGCAAGACTTAAGGGAATACTCACCAGATAACGCGGCCTTTTTCTGTTTCTGTTCTG[G>C]TGTCAGCCCTAACCCTGAAATTCTTTCATTGTATCTTTTTTCATCCTCTTTCATAGTCTT-3'
Protein context (NP_004199.1, residues 96-116): NERISGLGLT[Pro106Ala]EQKQKKAALS